The following is an entry in ClinVar:

ClinVar aggregate classification (germline): Pathogenic (1 of 4 stars; one submission).

Submission:

Labcorp Genetics (formerly Invitae), Labcorp
Classification: Pathogenic. Last evaluated: 2021-12-09. Review status: criteria provided, single submitter. Criteria: Invitae Variant Classification Sherloc (09022015). Collection method: clinical testing. Allele origin: germline.
Comment: For these reasons, this variant has been classified as Pathogenic. This variant disrupts a region of the SERPING1 protein in which other variant(s) (p.Arg494*) have been determined to be pathogenic (PMID: 8755917, 30508583, 32065705). This suggests that this is a clinically significant region of the protein, and that variants that disrupt it are likely to be disease-causing. Algorithms developed to predict the effect of sequence changes on RNA splicing suggest that this variant may create or strengthen a splice site. This premature translational stop signal has been observed in individual(s) with hereditary angioedema (PMID: 22994404). This variant is not present in population databases (gnomAD no frequency). This sequence change creates a premature translational stop signal (p.Glu448*) in the SERPING1 gene. While this is not anticipated to result in nonsense mediated decay, it is expected to disrupt the last 53 amino acid(s) of the SERPING1 protein.

Literature cited by the submitters: PubMed 8755917; PubMed 30508583; PubMed 32065705; PubMed 22994404.

NM_000062.3(SERPING1):c.1342G>T (p.Glu448Ter)

Gene: SERPING1 (serpin family G member 1; plus strand). Cytogenetic location: 11q12.1.
Variant type: single nucleotide variant.
Coding change: c.1342G>T on transcript NM_000062.3 (MANE Select); coding-DNA position 1342, G replaced by T.
Protein change: p.Glu448Ter; replaces glutamic acid 448 with a stop codon.
Molecular consequence: nonsense.
Genome position (GRCh38, 1-based): chr11:57,614,420, G>T. VCF-style: chr11-57614420-G-T. GRCh37 (hg19) VCF-style: chr11-57381893-G-T.
Other names: c.1342G>T, p.Glu448Ter (NM_001032295.2); short protein forms E448*.
Identifiers: ClinVar variation 2137103 (VCV002137103.4), dbSNP rs1168397543, ClinGen allele CA380690593.